The following is an entry in ClinVar:

NM_001470.4(GABBR1):c.2312G>C (p.Gly771Ala)

Gene: GABBR1 (gamma-aminobutyric acid type B receptor subunit 1; minus strand). Cytogenetic location: 6p22.1.
Variant type: single nucleotide variant.
Coding change: c.2312G>C on transcript NM_001470.4 (MANE Select); coding-DNA position 2312, G replaced by C.
Protein change: p.Gly771Ala; replaces glycine 771 with alanine.
Molecular consequence: missense variant.
Genome position (GRCh38, 1-based): chr6:29,605,696, C>G on the plus strand (G>C on the coding strand, the complement: GABBR1 is on the minus strand). VCF-style: chr6-29605696-C-G. GRCh37 (hg19) VCF-style: chr6-29573473-C-G.
Other names: c.1781G>C, p.Gly594Ala (NM_001319053.2); c.1961G>C, p.Gly654Ala (NM_021903.3); c.2126G>C, p.Gly709Ala (NM_021904.4); short protein forms G594A, G654A, G771A, G709A.
Identifiers: ClinVar variation 5008176 (VCV005008176.1).

ClinVar aggregate classification (germline): Uncertain significance (1 of 4 stars; one submission).

Submission:

GeneDx
Classification: Uncertain significance. Last evaluated: 2026-02-27. Review status: criteria provided, single submitter. Criteria: GeneDx Variant Classification Process June 2021. Collection method: clinical testing. Allele origin: germline.
Comment: Not observed at significant frequency in large population cohorts (gnomAD); In silico analysis supports that this missense variant has a deleterious effect on protein structure/function; Has not been previously published as pathogenic or benign to our knowledge